The following is an entry in ClinVar:

ClinVar aggregate classification (germline): Conflicting classifications of pathogenicity. Review status: criteria provided, conflicting classifications (1 of 4 stars). 4 submissions from 4 submitters: Likely pathogenic (3); Uncertain significance (1). Last evaluated 2026-08-13.

Conditions:
Adult hypophosphatasia. Identifiers: Orphanet 247676, Orphanet 436, MedGen C0268413, MONDO:1010154, OMIM 146300, MONDO:0007798.
Childhood hypophosphatasia. Identifiers: Orphanet 247667, Orphanet 436, MedGen C0220743, MONDO:1010168, OMIM 241510, MONDO:0009428.
Infantile hypophosphatasia. Identifiers: Orphanet 247651, Orphanet 436, MedGen C0268412, MONDO:1010169, OMIM 241500, MONDO:0009427.
Hypophosphatasia. Also called: Phosphoethanol-aminuria. Identifiers: Orphanet 436, MedGen C0020630, MeSH D007014, MONDO:0018570.

gnomAD v4.1: 1 of 1,610,542 alleles (0.000062%); highest among the groups gnomAD compares: East Asian, 0.0022%; no homozygotes.

Submissions (4):

JKU Lab, Dept of Paediatrics, Johannes Kepler University
Classification: Uncertain significance for Hypophosphatasia. Last evaluated: 2026-08-13. Review status: criteria provided, single submitter. Criteria: ACMG Guidelines, 2015. Collection method: curation. Allele origin: germline.
Comment: This missense variant is present in GnomAD 4.1 (f = 0.00002229 in the East Asian population) and affects a highly conserved amino acid in the homodimeric interface domain. The variant is predicted to affect protein function (REVEL score: 0.734). Splice-prediction algorithms predict no effect on splicing. This variant has been reported in the literature in individuals affected with ALPL-related conditions (PMID:38077305).

Genomenon, Inc
Classification: Likely pathogenic for Hypophosphatasia. Last evaluated: 2025-08-29. Review status: criteria provided, single submitter. Criteria: Genomenon Sequence Variant Interpretation Standards. Collection method: curation. Allele origin: germline. Affected: no.
Comment: ALPL p.Ala468Ser (c.1402G>T) is a missense variant that changes the amino acid at residue 468 from Alanine to Serine. This variant has been reported in the published literature (PMID:38077305). It is absent or not present at a significant frequency in gnomAD. In silico models agree that this variant is possibly or probably damaging. The presence of pathogenic missense variant(s) at the same amino acid position indicates that this residue is likely important for protein function. In conclusion, we classify ALPL p.Ala468Ser (c.1402G>T) as a likely pathogenic variant.

Labcorp Genetics (formerly Invitae), Labcorp
Classification: Likely pathogenic. Last evaluated: 2025-05-09. Review status: criteria provided, single submitter. Criteria: Invitae Variant Classification Sherloc (09022015). Collection method: clinical testing. Allele origin: germline.
Comment: This sequence change replaces alanine, which is neutral and non-polar, with serine, which is neutral and polar, at codon 468 of the ALPL protein (p.Ala468Ser). This variant is not present in population databases (gnomAD no frequency). This variant has not been reported in the literature in individuals affected with ALPL-related conditions. ClinVar contains an entry for this variant (Variation ID: 1510120). Invitae Evidence Modeling of protein sequence and biophysical properties (such as structural, functional, and spatial information, amino acid conservation, physicochemical variation, residue mobility, and thermodynamic stability) indicates that this missense variant is expected to disrupt ALPL protein function with a positive predictive value of 95%. This variant disrupts the p.Ala468 amino acid residue in ALPL. Other variant(s) that disrupt this residue have been determined to be pathogenic (PMID: 12815606, 31600233; internal data). This suggests that this residue is clinically significant, and that variants that disrupt this residue are likely to be disease-causing. In summary, the currently available evidence indicates that the variant is pathogenic, but additional data are needed to prove that conclusively. Therefore, this variant has been classified as Likely Pathogenic.

Fulgent Genetics
Classification: Likely pathogenic for Adult hypophosphatasia; Infantile hypophosphatasia; Childhood hypophosphatasia. Last evaluated: 2024-05-01. Review status: criteria provided, single submitter. Criteria: ACMG Guidelines, 2015. Collection method: clinical testing. Allele origin: germline.

Literature cited by the submitters: PubMed 38077305 (cited by JKU Lab, Dept of Paediatrics, Johannes Kepler University and Genomenon, Inc); PubMed 12815606 (cited by Labcorp Genetics (formerly Invitae), Labcorp); PubMed 31600233 (cited by Labcorp Genetics (formerly Invitae), Labcorp).

NM_000478.6(ALPL):c.1402G>T (p.Ala468Ser)

Gene: ALPL (alkaline phosphatase, biomineralization associated; plus strand). Cytogenetic location: 1p36.12.
Variant type: single nucleotide variant.
Coding change: c.1402G>T on transcript NM_000478.6 (MANE Select); coding-DNA position 1402, G replaced by T.
Protein change: p.Ala468Ser; replaces alanine 468 with serine.
Molecular consequence: missense variant.
Genome position (GRCh38, 1-based): chr1:21,577,475, G>T. VCF-style: chr1-21577475-G-T. GRCh37 (hg19) VCF-style: chr1-21903968-G-T.
Other names: c.1237G>T, p.Ala413Ser (NM_001127501.4); c.1171G>T, p.Ala391Ser (NM_001177520.3); c.1402G>T, p.Ala468Ser (NM_001369803.2, NM_001369804.2, NM_001369805.2); short protein forms A391S, A468S, A413S.
Identifiers: ClinVar variation 1510120 (VCV001510120.9), dbSNP rs1196976671, ClinGen allele CA338882124.